The following is an entry in ClinVar:

NM_001367624.2(ZNF469):c.135C>T (p.Thr45=)

Gene: ZNF469 (zinc finger protein 469; plus strand). Cytogenetic location: 16q24.2.
Variant type: single nucleotide variant.
Coding change: c.135C>T on transcript NM_001367624.2 (MANE Select); coding-DNA position 135, C replaced by T.
Protein change: p.Thr45=; no amino-acid change (threonine 45 retained).
Molecular consequence: synonymous variant.
Genome position (GRCh38, 1-based): chr16:88,427,605, C>T. VCF-style: chr16-88427605-C-T. GRCh37 (hg19) VCF-style: chr16-88494013-C-T.
Other names: NM_001127464.1:c.135C>T.
Identifiers: ClinVar variation 512159 (VCV000512159.46), dbSNP rs538850431, ClinGen allele CA286371289.

ClinVar aggregate classification (germline): Likely benign. Review status: criteria provided, multiple submitters, no conflicts (2 of 4 stars). 5 submissions from 5 submitters: Likely benign (5). Last evaluated 2026-01-25.

Conditions:
Cardiovascular phenotype. Identifiers: MedGen CN230736.

Allele frequency attached by ClinVar (database versions not stated): gnomAD 0.00001 and 0.00002; gnomAD exomes 0.00001 and 0.00002; TOPMed 0.00002; 1000 Genomes Project 0.00020; 1000 Genomes Project 30x 0.00031.
gnomAD v4.1: 29 of 1,537,298 alleles (0.0019%); highest among the groups gnomAD compares: Non-Finnish European, 0.0024%; no homozygotes.

Submissions (5):

Labcorp Genetics (formerly Invitae), Labcorp
Classification: Likely benign. Last evaluated: 2026-01-25. Review status: criteria provided, single submitter. Criteria: Invitae Variant Classification Sherloc (09022015). Collection method: clinical testing. Allele origin: germline.

Women's Health and Genetics/Laboratory Corporation of America, LabCorp
Classification: Likely benign. Last evaluated: 2024-12-26. Review status: criteria provided, single submitter. Criteria: LabCorp Variant Classification Summary - May 2015. Collection method: clinical testing. Allele origin: germline.

Ambry Genetics
Classification: Likely benign for Cardiovascular phenotype. Last evaluated: 2022-08-29. Review status: criteria provided, single submitter. Criteria: Ambry Variant Classification Scheme 2023. Collection method: clinical testing. Allele origin: germline.

CeGaT Center for Human Genetics Tuebingen
Classification: Likely benign. Last evaluated: 2020-07-01. Review status: criteria provided, single submitter. Criteria: CeGaT Center For Human Genetics Tuebingen Variant Classification Criteria Version 2. Collection method: clinical testing. Allele origin: germline. Affected: yes. Observed: 1 variant allele.

GeneDx
Classification: Likely benign. Last evaluated: 2017-09-22. Review status: criteria provided, single submitter. Criteria: GeneDx Variant Classification (06012015). Collection method: clinical testing. Allele origin: germline. Affected: yes.
Comment: This variant is considered likely benign or benign based on one or more of the following criteria: it is a conservative change, it occurs at a poorly conserved position in the protein, it is predicted to be benign by multiple in silico algorithms, and/or has population frequency not consistent with disease.